The following is an entry in ClinVar:

ClinVar aggregate classification (germline): Likely benign. Review status: criteria provided, multiple submitters, no conflicts (2 of 4 stars). 3 submissions from 3 submitters: Likely benign (3). Last evaluated 2025-12-01.

Conditions:
Bartter disease type 4A. Also called: BARTTER SYNDROME, TYPE 4A, NEONATAL, WITH SENSORINEURAL DEAFNESS; BARTTER SYNDROME, NEONATAL, WITH SENSORINEURAL DEAFNESS. Identifiers: Orphanet 112, MedGen C1865270, MONDO:0011242, OMIM 602522.

Allele frequency attached by ClinVar (database versions not stated): gnomAD 0.00001 and 0.00002; ExAC 0.00002; TOPMed 0.00003; 1000 Genomes Project 0.00020; 1000 Genomes Project 30x 0.00031.
gnomAD v4.1: 75 of 1,614,220 alleles (0.0046%); highest among the groups gnomAD compares: Admixed American, 0.023%; no homozygotes.

Submissions (3):

Labcorp Genetics (formerly Invitae), Labcorp
Classification: Likely benign. Last evaluated: 2025-12-01. Review status: criteria provided, single submitter. Criteria: Invitae Variant Classification Sherloc (09022015). Collection method: clinical testing. Allele origin: germline.

Fulgent Genetics
Classification: Likely benign for Bartter disease type 4A. Last evaluated: 2022-03-09. Review status: criteria provided, single submitter. Criteria: ACMG Guidelines, 2015. Collection method: clinical testing. Allele origin: unknown.

Laboratory for Molecular Medicine, Mass General Brigham Personalized Medicine
Classification: Likely benign. Last evaluated: 2015-09-03. Review status: criteria provided, single submitter. Criteria: LMM Criteria. Collection method: clinical testing. Allele origin: germline. Observed: 1 variant allele.
Comment: p.Thr61Thr in exon 2 of BSND: This variant is not expected to have clinical sign ificance because it does not alter an amino acid residue and is not located with in the splice consensus sequence. It has been identified in 2/16460 South Asian chromosomes by the Exome Aggregation Consortium (ExAC;rs377452238 ).

NM_057176.3(BSND):c.183C>T (p.Thr61=)

Gene: BSND (barttin CLCNK type accessory subunit beta; plus strand). Cytogenetic location: 1p32.3.
Variant type: single nucleotide variant.
Coding change: c.183C>T on transcript NM_057176.3 (MANE Select); coding-DNA position 183, C replaced by T.
Protein change: p.Thr61=; no amino-acid change (threonine 61 retained).
Molecular consequence: synonymous variant.
Genome position (GRCh38, 1-based): chr1:55,005,027, C>T. VCF-style: chr1-55005027-C-T. GRCh37 (hg19) VCF-style: chr1-55470700-C-T.
Identifiers: ClinVar variation 227189 (VCV000227189.16), dbSNP rs377452238, ClinGen allele CA871254.